The following is an entry in ClinVar:

NM_001098511.3(KIF2A):c.73C>T (p.His25Tyr)

Gene: KIF2A (kinesin family member 2A; plus strand). Cytogenetic location: 5q12.1.
Variant type: single nucleotide variant.
Coding change: c.73C>T on transcript NM_001098511.3 (MANE Select); coding-DNA position 73, C replaced by T.
Protein change: p.His25Tyr; replaces histidine 25 with tyrosine.
Molecular consequence: missense variant. On other transcripts: 5 prime UTR variant (1).
Genome position (GRCh38, 1-based): chr5:62,347,138, C>T. VCF-style: chr5-62347138-C-T. GRCh37 (hg19) VCF-style: chr5-61642965-C-T.
Other names: c.-9C>T (NM_001243952.2); c.73C>T, p.His25Tyr (NM_001243953.2, NM_004520.5); short protein forms H25Y.
Identifiers: ClinVar variation 4690253 (VCV004690253.1).

ClinVar aggregate classification (germline): Uncertain significance (1 of 4 stars; one submission).

Conditions:
Global developmental delay (DD). Also called: Cognitive delay. Identifiers: MedGen C0557874, HP:0001263. Disease mechanism: loss of function.

Submission:

Clinical Genetics Laboratory, Skane University Hospital Lund
Classification: Uncertain significance for Global developmental delay. Last evaluated: 2026-02-06. Review status: criteria provided, single submitter. Criteria: ACMG Guidelines, 2015. Collection method: clinical testing. Allele origin: germline. Inheritance: Autosomal dominant inheritance. Affected: yes.
Comment: PM2, PP3